The following is an entry in ClinVar:

ClinVar aggregate classification (germline): Uncertain significance (1 of 4 stars; one submission).

Submission:

Ambry Genetics
Classification: Uncertain significance. Last evaluated: 2025-05-17. Review status: criteria provided, single submitter. Criteria: Ambry Variant Classification Scheme 2023. Collection method: clinical testing. Allele origin: germline.
Comment: The p.L1065I variant (also known as c.3193C>A), located in coding exon 12 of the WNK2 gene, results from a C to A substitution at nucleotide position 3193. The leucine at codon 1065 is replaced by isoleucine, an amino acid with highly similar properties. This amino acid position is conserved. In addition, this alteration is predicted to be tolerated by in silico analysis. Based on the available evidence, the clinical significance of this variant remains unclear.

NM_006648.4(WNK2):c.3193C>A (p.Leu1065Ile)

Gene: WNK2 (WNK lysine deficient protein kinase 2; plus strand). Cytogenetic location: 9q22.31.
Variant type: single nucleotide variant.
Coding change: c.3193C>A on transcript NM_006648.4 (MANE Select); coding-DNA position 3193, C replaced by A.
Protein change: p.Leu1065Ile; replaces leucine 1065 with isoleucine.
Molecular consequence: missense variant.
Genome position (GRCh38, 1-based): chr9:93,261,940, C>A. VCF-style: chr9-93261940-C-A. GRCh37 (hg19) VCF-style: chr9-96024222-C-A.
Other names: c.3193C>A, p.Leu1065Ile (NM_001282394.3); short protein forms L1065I.
Identifiers: ClinVar variation 3982053 (VCV003982053.1).